The following is an entry in ClinVar:

NM_000548.5(TSC2):c.2070C>A (p.Phe690Leu)

Gene: TSC2 (TSC complex subunit 2; plus strand). Cytogenetic location: 16p13.3.
Variant type: single nucleotide variant.
Coding change: c.2070C>A on transcript NM_000548.5 (MANE Select); coding-DNA position 2070, C replaced by A.
Protein change: p.Phe690Leu; replaces phenylalanine 690 with leucine.
Molecular consequence: missense variant.
Genome position (GRCh38, 1-based): chr16:2,071,907, C>A. VCF-style: chr16-2071907-C-A. GRCh37 (hg19) VCF-style: chr16-2121908-C-A.
Other names: c.2070C>A, p.Phe690Leu (NM_001077183.3, NM_001114382.3, NM_001363528.2 and 3 more transcripts); c.1959C>A, p.Phe653Leu (NM_001318827.2); c.1923C>A, p.Phe641Leu (NM_001318829.2); c.1470C>A, p.Phe490Leu (NM_001318831.2); c.2103C>A, p.Phe701Leu (NM_001318832.2); short protein forms F690L, F641L, F653L, F490L, F701L.
Identifiers: ClinVar variation 535884 (VCV000535884.12), dbSNP rs558292668, ClinGen allele CA394274671.

ClinVar aggregate classification (germline): Uncertain significance. Review status: criteria provided, multiple submitters, no conflicts (2 of 4 stars). 2 submissions from 2 submitters: Uncertain significance (2). Last evaluated 2025-10-28.

Conditions:
Tuberous sclerosis 2 (TSC2). Identifiers: Orphanet 805, MedGen C1860707, MONDO:0013199, OMIM 613254.
Hereditary cancer-predisposing syndrome. Also called: Neoplastic Syndromes, Hereditary; Hereditary neoplastic syndrome; Tumor predisposition; Hereditary Cancer Syndrome. Identifiers: Orphanet 140162, MedGen C0027672, MeSH D009386, MONDO:0015356.

Submissions (2):

Ambry Genetics
Classification: Uncertain significance for Hereditary cancer-predisposing syndrome. Last evaluated: 2025-10-28. Review status: criteria provided, single submitter. Criteria: Ambry Variant Classification Scheme 2023. Collection method: clinical testing. Allele origin: germline.
Comment: The p.F690L variant (also known as c.2070C>A), located in coding exon 18 of the TSC2 gene, results from a C to A substitution at nucleotide position 2070. The phenylalanine at codon 690 is replaced by leucine, an amino acid with highly similar properties. This amino acid position is highly conserved in available vertebrate species. In addition, the in silico prediction for this alteration is inconclusive. Since supporting evidence is limited at this time, the clinical significance of this alteration remains unclear.

Labcorp Genetics (formerly Invitae), Labcorp
Classification: Uncertain significance for Tuberous sclerosis 2. Last evaluated: 2017-11-22. Review status: criteria provided, single submitter. Criteria: Invitae Variant Classification Sherloc (09022015). Collection method: clinical testing. Allele origin: germline.
Comment: Algorithms developed to predict the effect of missense changes on protein structure and function (SIFT, PolyPhen-2, Align-GVGD) all suggest that this variant is likely to be tolerated, but these predictions have not been confirmed by published functional studies and their clinical significance is uncertain. This sequence change replaces phenylalanine with leucine at codon 690 of the TSC2 protein (p.Phe690Leu). The phenylalanine residue is moderately conserved and there is a small physicochemical difference between phenylalanine and leucine. This variant is not present in population databases (ExAC no frequency). This variant has not been reported in the literature in individuals with TSC2-related disease. In summary, the available evidence is currently insufficient to determine the role of this variant in disease. Therefore, it has been classified as a Variant of Uncertain Significance.